The following is an entry in ClinVar:

ClinVar aggregate classification (germline): Uncertain significance (1 of 4 stars; one submission).

Allele frequency attached by ClinVar (database versions not stated): gnomAD exomes 0.00002; TOPMed 0.00002; gnomAD 0.00003.
gnomAD v4.1: 30 of 1,613,332 alleles (0.0019%); highest among the groups gnomAD compares: Non-Finnish European, 0.0025%; no homozygotes.

Submission:

Labcorp Genetics (formerly Invitae), Labcorp
Classification: Uncertain significance. Last evaluated: 2022-05-19. Review status: criteria provided, single submitter. Criteria: Invitae Variant Classification Sherloc (09022015). Collection method: clinical testing. Allele origin: germline.
Comment: This sequence change replaces threonine, which is neutral and polar, with isoleucine, which is neutral and non-polar, at codon 3888 of the HMCN1 protein (p.Thr3888Ile). This variant is present in population databases (no rsID available, gnomAD 0.003%). This variant has not been reported in the literature in individuals affected with HMCN1-related conditions. Algorithms developed to predict the effect of missense changes on protein structure and function are either unavailable or do not agree on the potential impact of this missense change (SIFT: "Tolerated"; PolyPhen-2: "Possibly Damaging"; Align-GVGD: "Class C0"). In summary, the available evidence is currently insufficient to determine the role of this variant in disease. Therefore, it has been classified as a Variant of Uncertain Significance.

NM_031935.3(HMCN1):c.11663C>T (p.Thr3888Ile)

Gene: HMCN1 (hemicentin 1; plus strand). Cytogenetic location: 1q31.1.
Variant type: single nucleotide variant.
Coding change: c.11663C>T on transcript NM_031935.3 (MANE Select); coding-DNA position 11663, C replaced by T.
Protein change: p.Thr3888Ile; replaces threonine 3888 with isoleucine.
Molecular consequence: missense variant.
Genome position (GRCh38, 1-based): chr1:186,117,095, C>T. VCF-style: chr1-186117095-C-T. GRCh37 (hg19) VCF-style: chr1-186086227-C-T.
Other names: short protein forms T3888I.
Identifiers: ClinVar variation 2088676 (VCV002088676.4), dbSNP rs1187355386, ClinGen allele CA343945763.